The following is an entry in ClinVar:

NM_032444.4(SLX4):c.4883C>T (p.Thr1628Ile)

Gene: SLX4 (SLX4 structure-specific endonuclease subunit; minus strand). Cytogenetic location: 16p13.3.
Variant type: single nucleotide variant.
Coding change: c.4883C>T on transcript NM_032444.4 (MANE Select); coding-DNA position 4883, C replaced by T.
Protein change: p.Thr1628Ile; replaces threonine 1628 with isoleucine.
Molecular consequence: missense variant.
Genome position (GRCh38, 1-based): chr16:3,583,367, G>A on the plus strand (C>T on the coding strand, the complement: SLX4 is on the minus strand). VCF-style: chr16-3583367-G-A. GRCh37 (hg19) VCF-style: chr16-3633368-G-A.
Other names: c.4883C>T (LRG_503t1); short protein forms T1628I.
Identifiers: ClinVar variation 526400 (VCV000526400.9), dbSNP rs199573277, ClinGen allele CA7865479.

ClinVar aggregate classification (germline): Uncertain significance (1 of 4 stars; one submission).

Conditions:
Fanconi anemia (FA). Also called: Fanconi's anemia. Identifiers: Orphanet 84, MedGen C0015625, MeSH D005199, MONDO:0019391.

Allele frequency attached by ClinVar (database versions not stated): 1000 Genomes Project 30x 0.00016; 1000 Genomes Project 0.00020; TOPMed 0.00001; ExAC 0.00002.
gnomAD v4.1: 11 of 1,613,272 alleles (0.00068%); highest among the groups gnomAD compares: East Asian, 0.025%; no homozygotes.

Submission:

Labcorp Genetics (formerly Invitae), Labcorp
Classification: Uncertain significance for Fanconi anemia. Last evaluated: 2024-04-10. Review status: criteria provided, single submitter. Criteria: Invitae Variant Classification Sherloc (09022015). Collection method: clinical testing. Allele origin: germline.
Comment: This sequence change replaces threonine, which is neutral and polar, with isoleucine, which is neutral and non-polar, at codon 1628 of the SLX4 protein (p.Thr1628Ile). This variant is present in population databases (rs199573277, gnomAD 0.04%). This variant has not been reported in the literature in individuals affected with SLX4-related conditions. ClinVar contains an entry for this variant (Variation ID: 526400). An algorithm developed to predict the effect of missense changes on protein structure and function (PolyPhen-2) suggests that this variant is likely to be disruptive. In summary, the available evidence is currently insufficient to determine the role of this variant in disease. Therefore, it has been classified as a Variant of Uncertain Significance.